The following is an entry in ClinVar:

ClinVar aggregate classification (germline): Uncertain significance (1 of 4 stars; one submission).

Conditions:
Arginase deficiency. Also called: ARGININEMIA; ARG1 DEFICIENCY; Arginase 1 Deficiency. Identifiers: Orphanet 90, MedGen C0268548, MONDO:0008814, OMIM 207800.

Allele frequency attached by ClinVar (database versions not stated): 1000 Genomes Project 30x 0.00031.
gnomAD v4.1: 73 of 1,614,088 alleles (0.0045%); highest among the groups gnomAD compares: Non-Finnish European, 0.0058%; no homozygotes.

Submission:

Labcorp Genetics (formerly Invitae), Labcorp
Classification: Uncertain significance for Arginase deficiency. Last evaluated: 2022-05-22. Review status: criteria provided, single submitter. Criteria: Invitae Variant Classification Sherloc (09022015). Collection method: clinical testing. Allele origin: germline.
Comment: This sequence change replaces valine, which is neutral and non-polar, with methionine, which is neutral and non-polar, at codon 249 of the ARG1 protein (p.Val249Met). This variant is present in population databases (rs182650447, gnomAD 0.007%). This variant has not been reported in the literature in individuals affected with ARG1-related conditions. Algorithms developed to predict the effect of missense changes on protein structure and function output the following: SIFT: "Tolerated"; PolyPhen-2: "Benign"; Align-GVGD: "Class C0". The methionine amino acid residue is found in multiple mammalian species, which suggests that this missense change does not adversely affect protein function. In summary, the available evidence is currently insufficient to determine the role of this variant in disease. Therefore, it has been classified as a Variant of Uncertain Significance.

NM_000045.4(ARG1):c.745G>A (p.Val249Met)

Genes: ARG1 (arginase 1; plus strand), MED23 (mediator complex subunit 23; minus strand). Cytogenetic location: 6q23.2.
Variant type: single nucleotide variant.
Coding change: c.745G>A on transcript NM_000045.4 (MANE Select); coding-DNA position 745, G replaced by A.
Protein change: p.Val249Met; replaces valine 249 with methionine.
Molecular consequence: missense variant. On other transcripts: non-coding transcript variant (1), intron variant (2).
Genome position (GRCh38, 1-based): chr6:131,583,434, G>A. VCF-style: chr6-131583434-G-A. GRCh37 (hg19) VCF-style: chr6-131904574-G-A.
Other names: c.769G>A, p.Val257Met (NM_001244438.2); c.490G>A, p.Val164Met (NM_001369020.1); c.4077+4275C>T (NM_001270521.2); c.4095+4275C>T (NM_015979.4); short protein forms V257M, V164M, V249M.
Identifiers: ClinVar variation 1396972 (VCV001396972.6), dbSNP rs182650447, ClinGen allele CA3999359.